The following is an entry in ClinVar:

ClinVar aggregate classification (germline): Conflicting classifications of pathogenicity. Review status: criteria provided, conflicting classifications (1 of 4 stars). 26 submissions from 22 submitters: Uncertain significance (2); Benign (14); Likely benign (5). 5 of the submissions do not count toward it. Last evaluated 2026-06-01.

Conditions:
Dilated cardiomyopathy 1G (CMD1G). Identifiers: Orphanet 154, MedGen C1858763, MONDO:0011400, OMIM 604145.
Autosomal recessive limb-girdle muscular dystrophy type 2J (LGMDR10). Also called: MUSCULAR DYSTROPHY, LIMB-GIRDLE, AUTOSOMAL RECESSIVE 10; Limb-girdle muscular dystrophy, type 2J. Identifiers: Orphanet 140922, MedGen C1837342, MONDO:0012127, OMIM 608807.
TTN-related disorder. Also called: TTN-related disorders; TTN-related condition; TTN-related disease.
Cardiovascular phenotype. Identifiers: MedGen CN230736.
Cardiomyopathy (CMYO). Also called: Cardiomyopathies. Identifiers: Orphanet 167848, MedGen C0878544, MONDO:0004994, HP:0001638. Inheritance: Various modes of inheritance.
Early-onset myopathy with fatal cardiomyopathy (CMYO5). Also called: CONGENITAL MYOPATHY 5 WITH CARDIOMYOPATHY; Salih Myopathy. Identifiers: Orphanet 289377, MedGen C2673677, MONDO:0012714, OMIM 611705. Disease mechanism: loss of function.
Myopathy, myofibrillar, 9, with early respiratory failure (MFM9). Also called: Myopathy, distal, with early respiratory failure, autosomal dominant; Hereditary myopathy with early respiratory failure; MYOPATHY, PROXIMAL, WITH EARLY RESPIRATORY MUSCLE INVOLVEMENT; EDSTROM MYOPATHY. Identifiers: Orphanet 178464, Orphanet 34521, MedGen C1863599, MONDO:0011362, OMIM 603689.
Primary dilated cardiomyopathy (DCM). Also called: Dilated Cardiomyopathy. Identifiers: Orphanet 217604, MedGen C0007193, MeSH D002311, MONDO:0005021, HP:0001644. Inheritance: Various modes of inheritance.
Tibial muscular dystrophy (TMD). Also called: Udd Distal Myopathy – Tibial Muscular Dystrophy; Tibial muscular dystrophy, tardive; UDD MYOPATHY. Identifiers: Orphanet 609, MedGen C1838244, MONDO:0010870, OMIM 600334.

Allele frequency attached by ClinVar (database versions not stated): gnomAD exomes 0.00127 and 0.00194; TOPMed 0.00072; gnomAD 0.00098 and 0.00063; 1000 Genomes Project 30x 0.00234; 1000 Genomes Project 0.00220; ExAC 0.00224; ESP Exome Variant Server 0.00107.
gnomAD v4.1: 2,061 of 1,614,036 alleles (0.13%); highest among the groups gnomAD compares: South Asian, 1%; 18 homozygotes.

Submissions 1 to 15 of 26:

CeGaT Center for Human Genetics Tuebingen
Classification: Benign. Last evaluated: 2026-06-01. Review status: criteria provided, single submitter. Criteria: CeGaT Center For Human Genetics Tuebingen Variant Classification Criteria Version 2. Collection method: clinical testing. Allele origin: germline. Affected: yes. Observed: 60 variant alleles.
Comment: TTN: BS1, BS2

Labcorp Genetics (formerly Invitae), Labcorp
Classification: Benign for Dilated cardiomyopathy 1G; Autosomal recessive limb-girdle muscular dystrophy type 2J. Last evaluated: 2026-02-04. Review status: criteria provided, single submitter. Criteria: Invitae Variant Classification Sherloc (09022015). Collection method: clinical testing. Allele origin: germline.

Mayo Clinic Laboratories, Mayo Clinic
Classification: Benign. Last evaluated: 2025-07-30. Review status: criteria provided, single submitter. Criteria: ACMG Guidelines, 2015. Collection method: clinical testing. Allele origin: germline. Observed: 3 variant alleles.
Comment: BS1, BS2

Molecular Diagnostic Laboratory for Inherited Cardiovascular Disease, Montreal Heart Institute
Classification: Benign. Last evaluated: 2025-04-09. Review status: criteria provided, single submitter. Criteria: ACMG Guidelines, 2015. Collection method: clinical testing. Allele origin: germline. Affected: no.

Blueprint Genetics
Classification: Likely benign. Last evaluated: 2024-11-25. Review status: criteria provided, single submitter. Criteria: ACMG Guidelines, 2015. Collection method: clinical testing. Allele origin: germline.

ARUP Laboratories, Molecular Genetics and Genomics, ARUP Laboratories
Classification: Likely benign. Last evaluated: 2024-11-20. Review status: criteria provided, single submitter. Criteria: ARUP Molecular Germline Variant Investigation Process 2024. Collection method: clinical testing. Allele origin: germline.

Women's Health and Genetics/Laboratory Corporation of America, LabCorp
Classification: Benign. Last evaluated: 2021-04-20. Review status: criteria provided, single submitter. Criteria: LabCorp Variant Classification Summary - May 2015. Collection method: clinical testing. Allele origin: germline.
Comment: Variant summary: TTN c.99872T>C (p.Met33291Thr) results in a non-conservative amino acid change located in the M-band region of the encoded protein sequence. Three of five in-silico tools predict a damaging effect of the variant on protein function. The variant allele was found at a frequency of 0.0019 in 249108 control chromosomes, predominantly at a frequency of 0.0088 within the South Asian subpopulation in the gnomAD database, including 4 homozygotes. The observed variant frequency within South Asian control individuals in the gnomAD database is approximately 22.5- fold the estimated maximal expected allele frequency for a pathogenic variant in TTN causing Dilated Cardiomyopathy phenotype (0.00039), strongly suggesting that the variant is a benign polymorphism found primarily in populations of South Asian origin. c.99872T>C has been reported in the literature in individuals affected with Dilated Cardiomyopathy (e.g. Taylor_2011). These reports do not provide unequivocal conclusions about association of the variant with Dilated Cardiomyopathy. To our knowledge, no experimental evidence demonstrating an impact on protein function has been reported. 11 other clinical diagnostic laboratories have submitted clinical-significance assessments for this variant to ClinVar after 2014 without evidence for independent evaluation, citing the variant as benign/likely benign (n=9) and uncertain significance (n=2). Based on the evidence outlined above, the variant was classified as benign.

Ambry Genetics
Classification: Benign for Cardiovascular phenotype. Last evaluated: 2020-05-29. Review status: criteria provided, single submitter. Criteria: Ambry Autosomal Dominant and X-Linked criteria (2/2020). Collection method: clinical testing. Allele origin: germline. Observed: 1 variant allele.
Comment: General population or subpopulation frequency is too high to be a pathogenic mutation based on disease/syndrome prevalence and penetrance

Mendelics
Classification: Benign for Dilated cardiomyopathy 1G. Last evaluated: 2019-05-28. Review status: criteria provided, single submitter. Criteria: Mendelics Assertion Criteria 2017. Collection method: clinical testing. Allele origin: unknown.

Athena Diagnostics
Classification: Benign. Last evaluated: 2018-03-28. Review status: criteria provided, single submitter. Criteria: Athena Diagnostics Criteria. Collection method: clinical testing. Allele origin: germline.

CHEO Genetics Diagnostic Laboratory, Children's Hospital of Eastern Ontario
Classification: Benign for Cardiomyopathy. Last evaluated: 2017-11-28. Review status: criteria provided, single submitter. Criteria: ACMG Guidelines, 2015. Collection method: clinical testing. Allele origin: germline.

Laboratory for Molecular Medicine, Mass General Brigham Personalized Medicine
Classification: Benign. Last evaluated: 2017-10-12. Review status: criteria provided, single submitter. Criteria: LMM Criteria. Collection method: clinical testing. Allele origin: germline. Observed: 12 variant alleles.
Comment: p.Met33291Thr variant in exon 311 of TTN: This variant is not expected to have c linical significance because it has been identified in 0.9% (275/30782) of South Asian chromosomes by the Genome Aggregation Database (gnomAD; dbSNP rs72629793). ACMG/AMP Criteria applied: BA1(Richards 2015 ).

Illumina Laboratory Services, Illumina
Classification: Benign for Tibial muscular dystrophy. Last evaluated: 2017-04-27. Review status: criteria provided, single submitter. Criteria: ICSL Variant Classification Criteria 13 December 2019. Collection method: clinical testing. Allele origin: germline.
Comment: This variant was observed as part of a predisposition screen in an ostensibly healthy population. A literature search was performed for the gene, cDNA change, and amino acid change (where applicable). No publications were found based on this search. Allele frequency data from public databases was too high to be consistent with this variant causing disease. Therefore, this variant is classified as benign.

Illumina Laboratory Services, Illumina
Classification: Benign for Dilated cardiomyopathy 1G. Last evaluated: 2017-04-27. Review status: criteria provided, single submitter. Criteria: ICSL Variant Classification Criteria 13 December 2019. Collection method: clinical testing. Allele origin: germline.
Comment: This variant was observed as part of a predisposition screen in an ostensibly healthy population. A literature search was performed for the gene, cDNA change, and amino acid change (where applicable). Publications were found based on this search. The evidence from the literature, in combination with allele frequency data from public databases where available, was sufficient to rule this variant out of causing disease. Therefore, this variant is classified as benign.

Illumina Laboratory Services, Illumina
Classification: Uncertain significance for Autosomal recessive limb-girdle muscular dystrophy type 2J. Last evaluated: 2017-04-27. Review status: criteria provided, single submitter. Criteria: ICSL Variant Classification Criteria 13 December 2019. Collection method: clinical testing. Allele origin: germline.
Comment: This variant was observed as part of a predisposition screen in an ostensibly healthy population. A literature search was performed for the gene, cDNA change, and amino acid change (where applicable). Publications were found based on this search. However, the evidence from the literature, in combination with allele frequency data from public databases where available, was not sufficient to rule this variant in or out of causing disease. Therefore, this variant is classified as a variant of unknown significance.

NM_001267550.2(TTN):c.107576T>C (p.Met35859Thr)

Genes: TTN (titin; minus strand), TTN-AS1 (TTN antisense RNA 1; plus strand). Cytogenetic location: 2q31.2.
Variant type: single nucleotide variant.
Coding change: c.107576T>C on transcript NM_001267550.2 (MANE Select); coding-DNA position 107576, T replaced by C.
Protein change: p.Met35859Thr; replaces methionine 35859 with threonine.
Molecular consequence: missense variant.
Genome position (GRCh38, 1-based): chr2:178,527,550, A>G on the plus strand (T>C on the coding strand, the complement: TTN is on the minus strand). VCF-style: chr2-178527550-A-G. GRCh37 (hg19) VCF-style: chr2-179392277-A-G.
Other names: p.M34218T:ATG>ACG; p.Met34218Thr; c.102653T>C, p.Met34218Thr (NM_001256850.1); c.80381T>C, p.Met26794Thr (NM_003319.4); c.99872T>C, p.Met33291Thr (NM_133378.4); c.80756T>C, p.Met26919Thr (NM_133432.3); c.80957T>C, p.Met26986Thr (NM_133437.4); short protein forms M35859T, M33291T, M34218T, M26986T, M26794T, M26919T.
Identifiers: ClinVar variation 47720 (VCV000047720.74), dbSNP rs72629793, ClinGen allele CA141774.
Genomic context (GRCh38, chr2:178,527,550, plus strand): 5'-TGTGTCATATTAGATATTCCCATAAAGCTGCTGGAACTCATTTCTACAAAGGACTCTTGC[A>G]TGGAGGACATGCTTTGGGCAGACATGCTTGCAAATTTCATCTCAGTCATGCTGCTAGCAC-3'
Protein context (NP_001254479.2, residues 35849-35869): ASMSAQSMSS[Met35859Thr]QESFVEMSSS